The following is an entry in ClinVar:

ClinVar aggregate classification (germline): Uncertain significance (1 of 4 stars; one submission).

Conditions:
Supravalvar aortic stenosis (SVAS). Also called: Supravalvar aortic stenosis, Eisenberg type. Identifiers: Orphanet 3193, MedGen C0003499, MONDO:0008504, OMIM 185500, HP:0004381.

Allele frequency attached by ClinVar (database versions not stated): TOPMed below 0.00001; gnomAD 0.00001; gnomAD exomes 0.00001.
gnomAD v4.1: 12 of 1,613,896 alleles (0.00074%); highest among the groups gnomAD compares: East Asian, 0.0045%; no homozygotes.

Submission:

Labcorp Genetics (formerly Invitae), Labcorp
Classification: Uncertain significance for Supravalvar aortic stenosis. Last evaluated: 2023-12-14. Review status: criteria provided, single submitter. Criteria: Invitae Variant Classification Sherloc (09022015). Collection method: clinical testing. Allele origin: germline.
Comment: This sequence change affects codon 739 of the ELN mRNA. It is a 'silent' change, meaning that it does not change the encoded amino acid sequence of the ELN protein. It affects a nucleotide within the consensus splice site. This variant is present in population databases (no rsID available, gnomAD 0.006%). This variant has not been reported in the literature in individuals affected with ELN-related conditions. ClinVar contains an entry for this variant (Variation ID: 2046078). Algorithms developed to predict the effect of sequence changes on RNA splicing suggest that this variant is not likely to affect RNA splicing. In summary, the available evidence is currently insufficient to determine the role of this variant in disease. Therefore, it has been classified as a Variant of Uncertain Significance.

NM_000501.4(ELN):c.2031C>T (p.Tyr677=)

Gene: ELN (elastin; plus strand). Cytogenetic location: 7q11.23.
Variant type: single nucleotide variant.
Coding change: c.2031C>T on transcript NM_000501.4 (MANE Select); coding-DNA position 2031, C replaced by T.
Protein change: p.Tyr677=; no amino-acid change (tyrosine 677 retained).
Molecular consequence: synonymous variant.
Genome position (GRCh38, 1-based): chr7:74,065,731, C>T. VCF-style: chr7-74065731-C-T. GRCh37 (hg19) VCF-style: chr7-73480061-C-T.
Other names: c.1944C>T, p.Tyr648= (NM_001081752.3); c.1989C>T, p.Tyr663= (NM_001081753.3); c.2046C>T, p.Tyr682= (NM_001081754.3); c.1974C>T, p.Tyr658= (NM_001081755.3); c.2031C>T, p.Tyr677= (NM_001278912.2); c.1788C>T, p.Tyr596= (NM_001278913.2); c.1959C>T, p.Tyr653= (NM_001278914.2); c.2049C>T, p.Tyr683= (NM_001278915.2); and 4 more.
Identifiers: ClinVar variation 2046078 (VCV002046078.4), dbSNP rs1554688700, ClinGen allele CA455887464.
Genomic context (GRCh38, chr7:74,065,731, plus strand): 5'-CGTCATGTGCCTCATCTCCCCAGGTATACCTCCAGCTGCAGCCGCTAAAGCAGCTAAATA[C>T]GGTGAGTTCCCCTCTGATGCCTTCCTGCCAGTGGCCTGCACCCCCTGCCATGCCCATCGC-3'
Protein context (NP_000492.2, residues 667-687): PPAAAAKAAK[Tyr677=]GAAGLGGVLG